The following is an entry in ClinVar:

ClinVar aggregate classification (germline): Benign/Likely benign. Review status: criteria provided, multiple submitters, no conflicts (2 of 4 stars). 3 submissions from 3 submitters: Benign (1); Likely benign (2). Last evaluated 2025-02-16.

Submissions (3):

Laboratory of Genetics, Children's Clinical University Hospital Latvia
Classification: Benign. Last evaluated: 2025-02-16. Review status: criteria provided, single submitter. Criteria: ACMG Guidelines, 2015. Collection method: clinical testing. Allele origin: germline. Affected: yes.

ARUP Laboratories, Molecular Genetics and Genomics, ARUP Laboratories
Classification: Likely benign. Last evaluated: 2023-11-22. Review status: criteria provided, single submitter. Criteria: ARUP Molecular Germline Variant Investigation Process 2024. Collection method: clinical testing. Allele origin: germline.

CeGaT Center for Human Genetics Tuebingen
Classification: Likely benign. Last evaluated: 2023-08-01. Review status: criteria provided, single submitter. Criteria: CeGaT Center For Human Genetics Tuebingen Variant Classification Criteria Version 2. Collection method: clinical testing. Allele origin: germline. Affected: yes. Observed: 1 variant allele.
Comment: DSPP: BP4, BS2

NM_014208.3(DSPP):c.3447A>T (p.Glu1149Asp)

Genes: DMP1-AS1 (DMP1 and DSPP antisense RNA 1; minus strand), DSPP (dentin sialophosphoprotein; plus strand). Cytogenetic location: 4q22.1.
Variant type: single nucleotide variant.
Coding change: c.3447A>T on transcript NM_014208.3 (MANE Select); coding-DNA position 3447, A replaced by T.
Protein change: p.Glu1149Asp; replaces glutamic acid 1149 with aspartic acid.
Molecular consequence: missense variant.
Genome position (GRCh38, 1-based): chr4:87,616,109, A>T. VCF-style: chr4-87616109-A-T. GRCh37 (hg19) VCF-style: chr4-88537261-A-T.
Other names: short protein forms E1149D.
Identifiers: ClinVar variation 2428521 (VCV002428521.29), dbSNP rs200612038, ClinGen allele CA3001707.